The following is an entry in ClinVar:

NM_004738.5(VAPB):c.82A>G (p.Thr28Ala)

Gene: VAPB (VAMP associated protein B and C; plus strand). Cytogenetic location: 20q13.32.
Variant type: single nucleotide variant.
Coding change: c.82A>G on transcript NM_004738.5 (MANE Select); coding-DNA position 82, A replaced by G.
Protein change: p.Thr28Ala; replaces threonine 28 with alanine.
Molecular consequence: missense variant. On other transcripts: non-coding transcript variant (1).
Genome position (GRCh38, 1-based): chr20:58,418,234, A>G. VCF-style: chr20-58418234-A-G. GRCh37 (hg19) VCF-style: chr20-56993290-A-G.
Other names: c.82A>G, p.Thr28Ala (NM_001195677.2); short protein forms T28A.
Identifiers: ClinVar variation 1408648 (VCV001408648.8), dbSNP rs2123058661, ClinGen allele CA409442305.

ClinVar aggregate classification (germline): Uncertain significance (1 of 4 stars; one submission).

Conditions:
Adult-onset proximal spinal muscular atrophy, autosomal dominant. Also called: FINKEL LATE-ADULT TYPE SMA; Spinal muscular atrophy, late-onset, finkel type. Identifiers: Orphanet 209335, MedGen C1854058, MONDO:0008453, OMIM 182980.
Amyotrophic lateral sclerosis type 8 (ALS8). Identifiers: Orphanet 803, MedGen C1837728, MONDO:0012077, OMIM 608627.

Submission:

Labcorp Genetics (formerly Invitae), Labcorp
Classification: Uncertain significance for Adult-onset proximal spinal muscular atrophy, autosomal dominant; Amyotrophic lateral sclerosis type 8. Last evaluated: 2021-08-02. Review status: criteria provided, single submitter. Criteria: Invitae Variant Classification Sherloc (09022015). Collection method: clinical testing. Allele origin: germline.
Comment: In summary, the available evidence is currently insufficient to determine the role of this variant in disease. Therefore, it has been classified as a Variant of Uncertain Significance. Algorithms developed to predict the effect of missense changes on protein structure and function are either unavailable or do not agree on the potential impact of this missense change (SIFT: "Not Available"; PolyPhen-2: "Benign"; Align-GVGD: "Not Available"). This variant has not been reported in the literature in individuals affected with VAPB-related conditions. This variant is not present in population databases (ExAC no frequency). This sequence change replaces threonine with alanine at codon 28 of the VAPB protein (p.Thr28Ala). The threonine residue is moderately conserved and there is a small physicochemical difference between threonine and alanine.